The following is an entry in ClinVar:

ClinVar aggregate classification (germline): Uncertain significance. Review status: criteria provided, multiple submitters, no conflicts (2 of 4 stars). 2 submissions from 2 submitters: Uncertain significance (2). Last evaluated 2024-07-02.

Conditions:
Inborn genetic diseases. Identifiers: MedGen C0950123, MeSH D030342.
Isolated microphthalmia 4. Identifiers: Orphanet 2542, MedGen C2751307, MONDO:0013130, OMIM 613094.
Microphthalmia, isolated, with coloboma 6 (MCOPCB6). Also called: Microphthalmia with coloboma 6, digenic; Microphthalmia with coloboma 6; MICROPHTHALMIA/COLOBOMA 6. Identifiers: Orphanet 98938, MedGen C3150968, MONDO:0013376, OMIM 613703.
Klippel-Feil syndrome 1, autosomal dominant (KFS1). Also called: CERVICAL VERTEBRAL FUSION, AUTOSOMAL DOMINANT. Identifiers: Orphanet 2345, MedGen C1861689, MONDO:0007306, OMIM 118100.
Leber congenital amaurosis 17 (LCA17). Identifiers: Orphanet 65, MedGen C3715164, MONDO:0014145, OMIM 615360.

gnomAD v4.1: 1 of 1,563,358 alleles (0.000064%); highest among the groups gnomAD compares: South Asian, 0.0011%; no homozygotes.

Submissions (2):

Labcorp Genetics (formerly Invitae), Labcorp
Classification: Uncertain significance for Isolated microphthalmia 4; Leber congenital amaurosis 17; Klippel-Feil syndrome 1, autosomal dominant; Microphthalmia, isolated, with coloboma 6. Last evaluated: 2024-07-02. Review status: criteria provided, single submitter. Criteria: Invitae Variant Classification Sherloc (09022015). Collection method: clinical testing. Allele origin: germline.
Comment: This sequence change replaces leucine, which is neutral and non-polar, with isoleucine, which is neutral and non-polar, at codon 188 of the GDF6 protein (p.Leu188Ile). This variant is not present in population databases (gnomAD no frequency). This variant has not been reported in the literature in individuals affected with GDF6-related conditions. Advanced modeling of protein sequence and biophysical properties (such as structural, functional, and spatial information, amino acid conservation, physicochemical variation, residue mobility, and thermodynamic stability) performed at Invitae indicates that this missense variant is not expected to disrupt GDF6 protein function with a negative predictive value of 80%. In summary, the available evidence is currently insufficient to determine the role of this variant in disease. Therefore, it has been classified as a Variant of Uncertain Significance.

Ambry Genetics
Classification: Uncertain significance for Inborn genetic diseases. Last evaluated: 2024-01-02. Review status: criteria provided, single submitter. Criteria: Ambry Variant Classification Scheme 2023. Collection method: clinical testing. Allele origin: germline.

NM_001001557.4(GDF6):c.562C>A (p.Leu188Ile)

Gene: GDF6 (growth differentiation factor 6; minus strand). Cytogenetic location: 8q22.1.
Variant type: single nucleotide variant.
Coding change: c.562C>A on transcript NM_001001557.4 (MANE Select); coding-DNA position 562, C replaced by A.
Protein change: p.Leu188Ile; replaces leucine 188 with isoleucine.
Molecular consequence: missense variant.
Genome position (GRCh38, 1-based): chr8:96,145,369, G>T on the plus strand (C>A on the coding strand, the complement: GDF6 is on the minus strand). VCF-style: chr8-96145369-G-T. GRCh37 (hg19) VCF-style: chr8-97157597-G-T.
Other names: short protein forms L188I.
Identifiers: ClinVar variation 3099258 (VCV003099258.3), dbSNP rs1356835291, ClinGen allele CA371752368.
Genomic context (GRCh38, chr8:96,145,369, plus strand): 5'-GCGCCCCCTGCGGGTCCAGGGTCCGCGCGTCCAGCAGTAGGGGCGAAAGGCAAGGGAAGA[G>T]CTGCACGTGGAGCGGCCCGGCTGGTGGCCCCCAGGGCGCTGAGGGCGCCTGGCGAAAGAG-3'
Protein context (NP_001001557.1, residues 178-198): GPPAGPLHVQ[Leu188Ile]FPCLSPLLLD